The following is an entry in ClinVar:

ClinVar aggregate classification (germline): Uncertain significance (1 of 4 stars; one submission).

Submission:

Labcorp Genetics (formerly Invitae), Labcorp
Classification: Uncertain significance. Last evaluated: 2024-05-06. Review status: criteria provided, single submitter. Criteria: Invitae Variant Classification Sherloc (09022015). Collection method: clinical testing. Allele origin: germline.
Comment: This sequence change replaces glutamine, which is neutral and polar, with leucine, which is neutral and non-polar, at codon 1403 of the KMT2E protein (p.Gln1403Leu). This variant is not present in population databases (gnomAD no frequency). This variant has not been reported in the literature in individuals affected with KMT2E-related conditions. Advanced modeling of protein sequence and biophysical properties (such as structural, functional, and spatial information, amino acid conservation, physicochemical variation, residue mobility, and thermodynamic stability) performed at Invitae indicates that this missense variant is not expected to disrupt KMT2E protein function with a negative predictive value of 80%. In summary, the available evidence is currently insufficient to determine the role of this variant in disease. Therefore, it has been classified as a Variant of Uncertain Significance.

NM_182931.3(KMT2E):c.4208A>T (p.Gln1403Leu)

Gene: KMT2E (lysine methyltransferase 2E (inactive); plus strand). Cytogenetic location: 7q22.3.
Variant type: single nucleotide variant.
Coding change: c.4208A>T on transcript NM_182931.3 (MANE Select); coding-DNA position 4208, A replaced by T.
Protein change: p.Gln1403Leu; replaces glutamine 1403 with leucine.
Molecular consequence: missense variant.
Genome position (GRCh38, 1-based): chr7:105,111,964, A>T. VCF-style: chr7-105111964-A-T. GRCh37 (hg19) VCF-style: chr7-104752411-A-T.
Other names: c.4082A>T, p.Gln1361Leu (NM_001410908.1); c.4208A>T, p.Gln1403Leu (NM_018682.4); short protein forms Q1403L, Q1361L.
Identifiers: ClinVar variation 2813845 (VCV002813845.3), dbSNP rs755060747, ClinGen allele CA368792010.